The following is an entry in ClinVar:

ClinVar aggregate classification (germline): Likely benign. Review status: criteria provided, multiple submitters, no conflicts (2 of 4 stars). 2 submissions from 2 submitters: Likely benign (2). Last evaluated 2024-04-16.

Conditions:
Hereditary nonpolyposis colorectal neoplasms. Identifiers: MedGen C0009405, MeSH D003123.

Allele frequency attached by ClinVar (database versions not stated): gnomAD exomes 0.00004; TOPMed below 0.00001.

Submissions (2):

Labcorp Genetics (formerly Invitae), Labcorp
Classification: Likely benign for Hereditary nonpolyposis colorectal neoplasms. Last evaluated: 2024-04-16. Review status: criteria provided, single submitter. Criteria: Invitae Variant Classification Sherloc (09022015). Collection method: clinical testing. Allele origin: germline.

GeneDx
Classification: Likely benign. Last evaluated: 2017-03-07. Review status: criteria provided, single submitter. Criteria: GeneDx Variant Classification (06012015). Collection method: clinical testing. Allele origin: germline. Affected: yes.
Comment: This variant is considered likely benign or benign based on one or more of the following criteria: it is a conservative change, it occurs at a poorly conserved position in the protein, it is predicted to be benign by multiple in silico algorithms, and/or has population frequency not consistent with disease.

NM_000535.7(PMS2):c.706-7T>A

Gene: PMS2 (PMS1 homolog 2, mismatch repair system component; minus strand). Cytogenetic location: 7p22.1.
Variant type: single nucleotide variant.
Coding change: c.706-7T>A on transcript NM_000535.7 (MANE Select); 7 bases into the intron before coding-DNA position 706, T replaced by A.
Molecular consequence: intron variant.
Genome position (GRCh38, 1-based): chr7:5,997,430, A>T on the plus strand (T>A on the coding strand, the complement: PMS2 is on the minus strand). VCF-style: chr7-5997430-A-T. GRCh37 (hg19) VCF-style: chr7-6037061-A-T.
Other names: c.388-7T>A (NM_001322008.2, NM_001322007.2); c.301-7T>A (NM_001322010.2, NM_001322004.2, NM_001322003.2 and 2 more transcripts); c.133-7T>A (NM_001322013.2); c.-228-7T>A (NM_001322012.2, NM_001322011.2); c.397-7T>A (NM_001322015.2); c.706-7T>A (NM_001322006.2, NM_001322014.2).
Identifiers: ClinVar variation 507923 (VCV000507923.9), dbSNP rs1459714978, ClinGen allele CA572548206.
Genomic context (GRCh38, chr7:5,997,430, plus strand): 5'-TTCACACACGGAGTCACTAGGGGGCAGCTGAACAAAAGGAATGAGGCTTTGCAACTGAAA[A>T]AAAAAAAAAAAAATTCACAGTTACTTCCTAATAAAGACAGAGTGGACTTAATCTGTTTTC-3'